The following is an entry in ClinVar:

NC_000001.10:g.(?_112318699)_(115576848_?)del

Genes: AMPD1 (adenosine monophosphate deaminase 1; minus strand), AP4B1 (adaptor related protein complex 4 subunit beta 1; minus strand), BCAS2 (BCAS2 pre-mRNA processing factor; minus strand), BCL2L15 (BCL2 like 15; minus strand), CAPZA1 (capping actin protein of muscle Z-line subunit alpha 1; plus strand) and 25 more. Cytogenetic location: 1p13.2.
Variant type: Deletion.
Identifiers: ClinVar variation 2425617 (VCV002425617.3).

ClinVar aggregate classification (germline): Pathogenic (1 of 4 stars; one submission).

Conditions:
Hereditary spastic paraplegia 47. Also called: Spastic paraplegia 47, autosomal recessive; CEREBRAL PALSY, SPASTIC QUADRIPLEGIC, 5; adaptor protein 4 (AP-4) deficiency syndrome. Identifiers: Orphanet 280763, MedGen C3279738, MONDO:0013551, OMIM 614066.

Submission:

Labcorp Genetics (formerly Invitae), Labcorp
Classification: Pathogenic for Hereditary spastic paraplegia 47. Last evaluated: 2022-06-02. Review status: criteria provided, single submitter. Criteria: Invitae Variant Classification Sherloc (09022015). Collection method: clinical testing. Allele origin: germline.
Comment: A gross deletion of the genomic region encompassing the full coding sequence of the AP4B1 gene has been identified. Loss-of-function variants in AP4B1 are known to be pathogenic (PMID: 22290197, 24700674, 24781758). The boundaries of this event are unknown as they extend beyond the assayed region for this gene and therefore may encompass additional genes. This variant has not been reported in the literature in individuals affected with AP4B1-related conditions. For these reasons, this variant has been classified as Pathogenic.

Literature cited by the submitters: PubMed 22290197; PubMed 24700674; PubMed 24781758.